The following is an entry in ClinVar:

ClinVar aggregate classification (germline): Uncertain significance (1 of 4 stars; one submission).

Conditions:
Cardiovascular phenotype. Identifiers: MedGen CN230736.

gnomAD v4.1: 7 of 1,612,870 alleles (0.00043%); highest among the groups gnomAD compares: Non-Finnish European, 0.00051%; no homozygotes.

Submission:

Ambry Genetics
Classification: Uncertain significance for Cardiovascular phenotype. Last evaluated: 2025-03-18. Review status: criteria provided, single submitter. Criteria: Ambry Variant Classification Scheme 2023. Collection method: clinical testing. Allele origin: germline.
Comment: The p.I668M variant (also known as c.2004T>G), located in coding exon 16 of the JAG1 gene, results from a T to G substitution at nucleotide position 2004. The isoleucine at codon 668 is replaced by methionine, an amino acid with highly similar properties. This amino acid position is conserved. In addition, the in silico prediction for this alteration is inconclusive. Based on the available evidence, the clinical significance of this variant remains unclear.

NM_000214.3(JAG1):c.2004T>G (p.Ile668Met)

Gene: JAG1 (jagged canonical Notch ligand 1; minus strand). Cytogenetic location: 20p12.2.
Variant type: single nucleotide variant.
Coding change: c.2004T>G on transcript NM_000214.3 (MANE Select); coding-DNA position 2004, T replaced by G.
Protein change: p.Ile668Met; replaces isoleucine 668 with methionine.
Molecular consequence: missense variant.
Genome position (GRCh38, 1-based): chr20:10,645,465, A>C on the plus strand (T>G on the coding strand, the complement: JAG1 is on the minus strand). VCF-style: chr20-10645465-A-C. GRCh37 (hg19) VCF-style: chr20-10626113-A-C.
Other names: short protein forms I668M.
Identifiers: ClinVar variation 4040683 (VCV004040683.1).